The following is an entry in ClinVar:

ClinVar aggregate classification (germline): Benign (1 of 4 stars; one submission).

Allele frequency attached by ClinVar (database versions not stated): gnomAD exomes 0.00044; gnomAD 0.00071; ExAC 0.00077.
gnomAD v4.1: 767 of 1,583,888 alleles (0.048%); highest among the groups gnomAD compares: African/African-American, 0.15%; 69 homozygotes.

Submission:

CeGaT Center for Human Genetics Tuebingen
Classification: Benign. Last evaluated: 2024-03-01. Review status: criteria provided, single submitter. Criteria: CeGaT Center For Human Genetics Tuebingen Variant Classification Criteria Version 2. Collection method: clinical testing. Allele origin: germline. Affected: yes. Observed: 4 variant alleles.
Comment: AHNAK2: BS1, BS2

NM_138420.4(AHNAK2):c.5009T>C (p.Val1670Ala)

Gene: AHNAK2 (AHNAK nucleoprotein 2; minus strand). Cytogenetic location: 14q32.33.
Variant type: single nucleotide variant.
Coding change: c.5009T>C on transcript NM_138420.4 (MANE Select); coding-DNA position 5009, T replaced by C.
Protein change: p.Val1670Ala; replaces valine 1670 with alanine.
Molecular consequence: missense variant.
Genome position (GRCh38, 1-based): chr14:104,950,442, A>G on the plus strand (T>C on the coding strand, the complement: AHNAK2 is on the minus strand). VCF-style: chr14-104950442-A-G. GRCh37 (hg19) VCF-style: chr14-105416779-A-G.
Other names: c.4709T>C, p.Val1570Ala (NM_001350929.2); short protein forms V1570A, V1670A.
Identifiers: ClinVar variation 2644811 (VCV002644811.24), dbSNP rs201134578, ClinGen allele CA7382075.